The following is an entry in ClinVar:

ClinVar aggregate classification (germline): Uncertain significance (1 of 4 stars; one submission).

Submission:

Labcorp Genetics (formerly Invitae), Labcorp
Classification: Uncertain significance. Last evaluated: 2023-04-30. Review status: criteria provided, single submitter. Criteria: Invitae Variant Classification Sherloc (09022015). Collection method: clinical testing. Allele origin: germline.
Comment: In summary, the available evidence is currently insufficient to determine the role of this variant in disease. Therefore, it has been classified as a Variant of Uncertain Significance. Advanced modeling of protein sequence and biophysical properties (such as structural, functional, and spatial information, amino acid conservation, physicochemical variation, residue mobility, and thermodynamic stability) performed at Invitae indicates that this missense variant is not expected to disrupt TAF1 protein function. This variant has not been reported in the literature in individuals affected with TAF1-related conditions. This variant is not present in population databases (gnomAD no frequency). This sequence change replaces glutamic acid, which is acidic and polar, with glutamine, which is neutral and polar, at codon 933 of the TAF1 protein (p.Glu933Gln).

NM_004606.5(TAF1):c.2737G>C (p.Glu913Gln)

Gene: TAF1 (TATA-box binding protein associated factor 1; plus strand). Cytogenetic location: Xq13.1.
Variant type: single nucleotide variant.
Coding change: c.2737G>C on transcript NM_004606.5 (MANE Select); coding-DNA position 2737, G replaced by C.
Protein change: p.Glu913Gln; replaces glutamic acid 913 with glutamine.
Molecular consequence: missense variant. On other transcripts: non-coding transcript variant (9).
Genome position (GRCh38, 1-based): chrX:71,389,621, G>C. VCF-style: chrX-71389621-G-C. GRCh37 (hg19) VCF-style: chrX-70609471-G-C.
Other names: c.2737G>C, p.Glu913Gln (NM_001286074.2); c.2674G>C, p.Glu892Gln (NM_138923.4); short protein forms E892Q, E913Q.
Identifiers: ClinVar variation 2860701 (VCV002860701.3), dbSNP rs2520315538, ClinGen allele CA413522179.
Genomic context (GRCh38, chrX:71,389,621, plus strand): 5'-ATGCATGGATCTGTCCTCTTCCAGGATGCTGGCTATGGTGAGAAATCCTTTTTTGCTCCA[G>C]AAGAAGAAAATGAGGAAGATTTCCAGATGAAGATTGATGATGAAGTAAGGCTTTATACTA-3'
Protein context (NP_004597.3, residues 903-923): GYGEKSFFAP[Glu913Gln]EENEEDFQMK